The following is an entry in ClinVar:

NM_000528.4(MAN2B1):c.2767G>A (p.Val923Ile)

Gene: MAN2B1 (mannosidase alpha class 2B member 1; minus strand). Cytogenetic location: 19p13.13.
Variant type: single nucleotide variant.
Coding change: c.2767G>A on transcript NM_000528.4 (MANE Select); coding-DNA position 2767, G replaced by A.
Protein change: p.Val923Ile; replaces valine 923 with isoleucine.
Molecular consequence: missense variant.
Genome position (GRCh38, 1-based): chr19:12,647,496, C>T on the plus strand (G>A on the coding strand, the complement: MAN2B1 is on the minus strand). VCF-style: chr19-12647496-C-T. GRCh37 (hg19) VCF-style: chr19-12758310-C-T.
Other names: c.2764G>A, p.Val922Ile (NM_001173498.2); short protein forms V923I, V922I.
Identifiers: ClinVar variation 644216 (VCV000644216.4), dbSNP rs755553683, ClinGen allele CA9225929.

ClinVar aggregate classification (germline): Uncertain significance. Review status: criteria provided, multiple submitters, no conflicts (2 of 4 stars). 3 submissions from 3 submitters: Uncertain significance (2). 1 of the submissions does not count toward it. Last evaluated 2021-09-17.

Conditions:
Inborn genetic diseases. Identifiers: MedGen C0950123, MeSH D030342.
Deficiency of alpha-mannosidase (MANSA). Also called: LYSOSOMAL ALPHA-D-MANNOSIDASE DEFICIENCY; Mannosidosis, alpha-, types I and II; Alpha-Mannosidosis. Identifiers: Orphanet 61, MedGen C0024748, MONDO:0009561, OMIM 248500.

Allele frequency attached by ClinVar (database versions not stated): gnomAD 0.00001; ExAC 0.00002; TOPMed 0.00006.
gnomAD v4.1: 30 of 1,614,130 alleles (0.0019%); highest among the groups gnomAD compares: East Asian, 0.016%; no homozygotes.

Submissions (3):

Ambry Genetics
Classification: Uncertain significance for Inborn genetic diseases. Last evaluated: 2021-09-17. Review status: criteria provided, single submitter. Criteria: Ambry Variant Classification Scheme 2023. Collection method: clinical testing. Allele origin: germline.

Labcorp Genetics (formerly Invitae), Labcorp
Classification: Uncertain significance for Deficiency of alpha-mannosidase. Last evaluated: 2021-08-31. Review status: criteria provided, single submitter. Criteria: Invitae Variant Classification Sherloc (09022015). Collection method: clinical testing. Allele origin: germline.
Comment: This sequence change replaces valine with isoleucine at codon 923 of the MAN2B1 protein (p.Val923Ile). The valine residue is weakly conserved and there is a small physicochemical difference between valine and isoleucine. This variant is present in population databases (rs755553683, ExAC 0.01%). This variant has not been reported in the literature in individuals affected with MAN2B1-related conditions. Algorithms developed to predict the effect of missense changes on protein structure and function output the following: SIFT: "Tolerated"; PolyPhen-2: "Benign"; Align-GVGD: "Class C0". The isoleucine amino acid residue is found in multiple mammalian species, which suggests that this missense change does not adversely affect protein function. In summary, the available evidence is currently insufficient to determine the role of this variant in disease. Therefore, it has been classified as a Variant of Uncertain Significance.

Natera, Inc.
Classification: Uncertain significance for Alpha-mannosidosis. Last evaluated: 2020-03-11. Review status: no assertion criteria provided. Collection method: clinical testing. Allele origin: germline. Not counted in ClinVar's aggregate classification.